The following is an entry in ClinVar:

ClinVar aggregate classification (germline): Uncertain significance (1 of 4 stars; one submission).

gnomAD v4.1: 1 of 1,613,656 alleles (0.000062%); no homozygotes.

Submission:

Labcorp Genetics (formerly Invitae), Labcorp
Classification: Uncertain significance. Last evaluated: 2024-05-10. Review status: criteria provided, single submitter. Criteria: Invitae Variant Classification Sherloc (09022015). Collection method: clinical testing. Allele origin: germline.
Comment: This sequence change replaces glycine, which is neutral and non-polar, with valine, which is neutral and non-polar, at codon 120 of the SERPING1 protein (p.Gly120Val). This variant is not present in population databases (gnomAD no frequency). This variant has not been reported in the literature in individuals affected with SERPING1-related conditions. Advanced modeling of protein sequence and biophysical properties (such as structural, functional, and spatial information, amino acid conservation, physicochemical variation, residue mobility, and thermodynamic stability) performed at Invitae indicates that this missense variant is expected to disrupt SERPING1 protein function with a positive predictive value of 80%. In summary, the available evidence is currently insufficient to determine the role of this variant in disease. Therefore, it has been classified as a Variant of Uncertain Significance.

NM_000062.3(SERPING1):c.359G>T (p.Gly120Val)

Gene: SERPING1 (serpin family G member 1; plus strand). Cytogenetic location: 11q12.1.
Variant type: single nucleotide variant.
Coding change: c.359G>T on transcript NM_000062.3 (MANE Select); coding-DNA position 359, G replaced by T.
Protein change: p.Gly120Val; replaces glycine 120 with valine.
Molecular consequence: missense variant.
Genome position (GRCh38, 1-based): chr11:57,600,186, G>T. VCF-style: chr11-57600186-G-T. GRCh37 (hg19) VCF-style: chr11-57367659-G-T.
Other names: c.359G>T, p.Gly120Val (NM_001032295.2); short protein forms G120V.
Identifiers: ClinVar variation 3692293 (VCV003692293.2).
Genomic context (GRCh38, chr11:57,600,186, plus strand): 5'-TCCAACCCACCCAACCAACTACCCAGCTCCCAACAGATTCTCCTACCCAGCCCACTACTG[G>T]GTCCTTCTGCCCAGGACCTGTTACTCTCTGCTCTGACTTGGAGAGTCATTCAACAGAGGC-3'
Protein context (NP_000053.2, residues 110-130): PTDSPTQPTT[Gly120Val]SFCPGPVTLC